The following is an entry in ClinVar:

ClinVar aggregate classification (germline): Conflicting classifications of pathogenicity. Review status: criteria provided, conflicting classifications (1 of 4 stars). 3 submissions from 3 submitters: Uncertain significance (2); Likely benign (1). Last evaluated 2023-09-20.

Conditions:
Retinitis pigmentosa (RP). Identifiers: Orphanet 791, MedGen C0035334, MeSH D012174, MONDO:0019200, OMIM 268000. Inheritance: Autosomal dominant, autosomal recessive and X linked inheritance.
Retinitis pigmentosa 66 (RP66). Identifiers: Orphanet 791, MedGen C3715216, MONDO:0014093, OMIM 615233.

Allele frequency attached by ClinVar (database versions not stated): ESP Exome Variant Server 0.00023; ExAC 0.00026; gnomAD 0.00026 and 0.00028; TOPMed 0.00026; gnomAD exomes 0.00027 and 0.00033.
gnomAD v4.1: 531 of 1,614,044 alleles (0.033%); highest among the groups gnomAD compares: Non-Finnish European, 0.039%; no homozygotes.

Submissions (3):

Blueprint Genetics
Classification: Likely benign. Last evaluated: 2023-09-20. Review status: criteria provided, single submitter. Criteria: ACMG Guidelines, 2015. Collection method: clinical testing. Allele origin: germline.

Department of Pathology and Laboratory Medicine, Sinai Health System
Classification: Uncertain significance for Retinitis pigmentosa; Retinitis pigmentosa 66. Last evaluated: 2023-01-16. Review status: criteria provided, single submitter. Criteria: ACMG Guidelines, 2015. Collection method: research. Allele origin: germline.

Labcorp Genetics (formerly Invitae), Labcorp
Classification: Uncertain significance. Last evaluated: 2022-09-26. Review status: criteria provided, single submitter. Criteria: Invitae Variant Classification Sherloc (09022015). Collection method: clinical testing. Allele origin: germline.
Comment: This sequence change replaces alanine, which is neutral and non-polar, with threonine, which is neutral and polar, at codon 1126 of the RBP3 protein (p.Ala1126Thr). This variant is present in population databases (rs144751738, gnomAD 0.04%). This variant has not been reported in the literature in individuals affected with RBP3-related conditions. ClinVar contains an entry for this variant (Variation ID: 849043). Algorithms developed to predict the effect of missense changes on protein structure and function output the following: SIFT: "Tolerated"; PolyPhen-2: "Possibly Damaging"; Align-GVGD: "Class C0". The threonine amino acid residue is found in multiple mammalian species, which suggests that this missense change does not adversely affect protein function. In summary, the available evidence is currently insufficient to determine the role of this variant in disease. Therefore, it has been classified as a Variant of Uncertain Significance.

NM_002900.3(RBP3):c.3376G>A (p.Ala1126Thr)

Gene: RBP3 (retinol binding protein 3; plus strand). Cytogenetic location: 10q11.22.
Variant type: single nucleotide variant.
Coding change: c.3376G>A on transcript NM_002900.3 (MANE Select); coding-DNA position 3376, G replaced by A.
Protein change: p.Ala1126Thr; replaces alanine 1126 with threonine.
Molecular consequence: missense variant.
Genome position (GRCh38, 1-based): chr10:47,355,506, G>A. VCF-style: chr10-47355506-G-A. GRCh37 (hg19) VCF-style: chr10-48383856-C-T.
Other names: short protein forms A1126T.
Identifiers: ClinVar variation 849043 (VCV000849043.7), dbSNP rs144751738, ClinGen allele CA5487067.